The following is an entry in ClinVar:

NM_004370.6(COL12A1):c.8885G>C (p.Gly2962Ala)

Gene: COL12A1 (collagen type XII alpha 1 chain; minus strand). Cytogenetic location: 6q13.
Variant type: single nucleotide variant.
Coding change: c.8885G>C on transcript NM_004370.6 (MANE Select); coding-DNA position 8885, G replaced by C.
Protein change: p.Gly2962Ala; replaces glycine 2962 with alanine.
Molecular consequence: missense variant.
Genome position (GRCh38, 1-based): chr6:75,090,166, C>G on the plus strand (G>C on the coding strand, the complement: COL12A1 is on the minus strand). VCF-style: chr6-75090166-C-G. GRCh37 (hg19) VCF-style: chr6-75799882-C-G.
Other names: p.Gly2962Ala; c.5393G>C, p.Gly1798Ala (NM_080645.3); short protein forms G2962A, G1798A.
Identifiers: ClinVar variation 573322 (VCV000573322.11), dbSNP rs761885492, ClinGen allele CA3892091.
Genomic context (GRCh38, chr6:75,090,166, plus strand): 5'-CTACCTCGTTCCCCAGGGGGTCCCTGCATCCCTGGTGTGCCCGGGAAGCCTGGCCGCCCC[C>G]CAGGCCCAGGTTCTCCTCTGGCTCCTGCGCTACCAGGAGGTCCCGGTGGACCCGGCGGGC-3'
Protein context (NP_004361.3, residues 2952-2972): SAGARGEPGP[Gly2962Ala]GRPGFPGTPG

ClinVar aggregate classification (germline): Uncertain significance. Review status: criteria provided, multiple submitters, no conflicts (2 of 4 stars). 3 submissions from 3 submitters: Uncertain significance (3). Last evaluated 2025-08-29.

Conditions:
Ullrich congenital muscular dystrophy 2 (UCMD2). Identifiers: Orphanet 75840, MedGen C4225314, MONDO:0014654, OMIM 616470.
Bethlem myopathy 2 (BTHLM2). Identifiers: Orphanet 536516, Orphanet 610, MedGen C4225313, MONDO:0034022, OMIM 616471.
Inborn genetic diseases. Identifiers: MedGen C0950123, MeSH D030342.

Allele frequency attached by ClinVar (database versions not stated): TOPMed 0.00002; gnomAD 0.00001; ExAC 0.00002; gnomAD exomes 0.00001.
gnomAD v4.1: 24 of 1,614,008 alleles (0.0015%); highest among the groups gnomAD compares: Non-Finnish European, 0.0019%; no homozygotes.

Submissions (3):

Mayo Clinic Laboratories, Mayo Clinic
Classification: Uncertain significance. Last evaluated: 2025-08-29. Review status: criteria provided, single submitter. Criteria: ACMG Guidelines, 2015. Collection method: clinical testing. Allele origin: germline. Observed: 1 variant allele.

Labcorp Genetics (formerly Invitae), Labcorp
Classification: Uncertain significance for Bethlem myopathy 2; Ullrich congenital muscular dystrophy 2. Last evaluated: 2025-06-16. Review status: criteria provided, single submitter. Criteria: Invitae Variant Classification Sherloc (09022015). Collection method: clinical testing. Allele origin: germline.
Comment: This sequence change replaces glycine, which is neutral and non-polar, with alanine, which is neutral and non-polar, at codon 2962 of the COL12A1 protein (p.Gly2962Ala). This variant is present in population databases (rs761885492, gnomAD 0.002%). This variant has not been reported in the literature in individuals affected with COL12A1-related conditions. ClinVar contains an entry for this variant (Variation ID: 573322). An algorithm developed to predict the effect of missense changes on protein structure and function (PolyPhen-2) suggests that this variant is likely to be tolerated. In summary, the available evidence is currently insufficient to determine the role of this variant in disease. Therefore, it has been classified as a Variant of Uncertain Significance.

Ambry Genetics
Classification: Uncertain significance for Inborn genetic diseases. Last evaluated: 2024-03-30. Review status: criteria provided, single submitter. Criteria: Ambry Variant Classification Scheme 2023. Collection method: clinical testing. Allele origin: germline.